The following is an entry in ClinVar:

ClinVar aggregate classification (germline): Likely benign (1 of 4 stars; one submission).

gnomAD v4.1: 2 of 1,613,602 alleles (0.00012%); highest among the groups gnomAD compares: Non-Finnish European, 0.00017%; no homozygotes.

Submission:

GeneDx
Classification: Likely benign. Last evaluated: 2017-10-16. Review status: criteria provided, single submitter. Criteria: GeneDx Variant Classification (06012015). Collection method: clinical testing. Allele origin: germline. Affected: yes.
Comment: This variant is considered likely benign or benign based on one or more of the following criteria: it is a conservative change, it occurs at a poorly conserved position in the protein, it is predicted to be benign by multiple in silico algorithms, and/or has population frequency not consistent with disease.

NM_001267550.2(TTN):c.8116+19G>T

Gene: TTN (titin; minus strand). Cytogenetic location: 2q31.2.
Variant type: single nucleotide variant.
Coding change: c.8116+19G>T on transcript NM_001267550.2 (MANE Select); 19 bases into the intron after coding-DNA position 8116, G replaced by T.
Molecular consequence: intron variant.
Genome position (GRCh38, 1-based): chr2:178,771,192, C>A on the plus strand (G>T on the coding strand, the complement: TTN is on the minus strand). VCF-style: chr2-178771192-C-A. GRCh37 (hg19) VCF-style: chr2-179635919-C-A.
Other names: c.7978+19G>T (NM_003319.4, NM_133437.4, NM_133432.3); c.8116+19G>T (NM_133378.4, NM_001256850.1, NM_133379.5).
Identifiers: ClinVar variation 512800 (VCV000512800.1), dbSNP rs13011633, ClinGen allele CA2004680.